The following is an entry in ClinVar:

ClinVar aggregate classification (germline): Uncertain significance (1 of 4 stars; one submission).

Submission:

Labcorp Genetics (formerly Invitae), Labcorp
Classification: Uncertain significance. Last evaluated: 2022-09-06. Review status: criteria provided, single submitter. Criteria: Invitae Variant Classification Sherloc (09022015). Collection method: clinical testing. Allele origin: germline.
Comment: In summary, the available evidence is currently insufficient to determine the role of this variant in disease. Therefore, it has been classified as a Variant of Uncertain Significance. Advanced modeling of protein sequence and biophysical properties (such as structural, functional, and spatial information, amino acid conservation, physicochemical variation, residue mobility, and thermodynamic stability) performed at Invitae indicates that this missense variant is expected to disrupt COL11A1 protein function. This variant has not been reported in the literature in individuals affected with COL11A1-related conditions. This variant is not present in population databases (gnomAD no frequency). This sequence change replaces glycine, which is neutral and non-polar, with glutamic acid, which is acidic and polar, at codon 1075 of the COL11A1 protein (p.Gly1075Glu).

NM_001854.4(COL11A1):c.3224G>A (p.Gly1075Glu)

Gene: COL11A1 (collagen type XI alpha 1 chain; minus strand). Cytogenetic location: 1p21.1.
Variant type: single nucleotide variant.
Coding change: c.3224G>A on transcript NM_001854.4 (MANE Select); coding-DNA position 3224, G replaced by A.
Protein change: p.Gly1075Glu; replaces glycine 1075 with glutamic acid.
Molecular consequence: missense variant. On other transcripts: non-coding transcript variant (1).
Genome position (GRCh38, 1-based): chr1:102,946,901, C>T on the plus strand (G>A on the coding strand, the complement: COL11A1 is on the minus strand). VCF-style: chr1-102946901-C-T. GRCh37 (hg19) VCF-style: chr1-103412457-C-T.
Other names: c.2876G>A, p.Gly959Glu (NM_001168249.1, NM_080630.4); c.3107G>A, p.Gly1036Glu (NM_001190709.2); c.3260G>A, p.Gly1087Glu (NM_080629.3); short protein forms G1036E, G1075E, G1087E, G959E.
Identifiers: ClinVar variation 1718969 (VCV001718969.5), dbSNP rs2524791731, ClinGen allele CA341171119.